The following is an entry in ClinVar:

ClinVar aggregate classification (germline): Uncertain significance. Review status: criteria provided, multiple submitters, no conflicts (2 of 4 stars). 3 submissions from 3 submitters: Uncertain significance (3). Last evaluated 2024-05-22.

Conditions:
Autosomal dominant spastic paraplegia type 9. Identifiers: MedGen C1832669, MONDO:0015091.
de Barsy syndrome. Also called: Cutis laxa-corneal clouding-oligophrenia syndrome. Identifiers: Orphanet 2962, MedGen C0268354, MONDO:0017569.
Cutis laxa, autosomal dominant 3 (ADCL3). Identifiers: Orphanet 90348, MedGen C4225268, MONDO:0014706, OMIM 616603.
Inborn genetic diseases. Identifiers: MedGen C0950123, MeSH D030342.

Allele frequency attached by ClinVar (database versions not stated): gnomAD 0.00001; gnomAD exomes 0.00001; TOPMed 0.00001.
gnomAD v4.1: 21 of 1,614,046 alleles (0.0013%); highest among the groups gnomAD compares: Non-Finnish European, 0.0017%; no homozygotes.

Submissions (3):

Labcorp Genetics (formerly Invitae), Labcorp
Classification: Uncertain significance for Autosomal dominant spastic paraplegia type 9; de Barsy syndrome; Cutis laxa, autosomal dominant 3. Last evaluated: 2024-05-22. Review status: criteria provided, single submitter. Criteria: Invitae Variant Classification Sherloc (09022015). Collection method: clinical testing. Allele origin: germline.
Comment: This sequence change replaces glycine, which is neutral and non-polar, with valine, which is neutral and non-polar, at codon 306 of the ALDH18A1 protein (p.Gly306Val). This variant is present in population databases (no rsID available, gnomAD 0.002%). This variant has not been reported in the literature in individuals affected with ALDH18A1-related conditions. ClinVar contains an entry for this variant (Variation ID: 2027746). Advanced modeling of protein sequence and biophysical properties (such as structural, functional, and spatial information, amino acid conservation, physicochemical variation, residue mobility, and thermodynamic stability) performed at Invitae indicates that this missense variant is expected to disrupt ALDH18A1 protein function with a positive predictive value of 95%. In summary, the available evidence is currently insufficient to determine the role of this variant in disease. Therefore, it has been classified as a Variant of Uncertain Significance.

Revvity Omics, Revvity
Classification: Uncertain significance. Last evaluated: 2022-11-10. Review status: criteria provided, single submitter. Criteria: ACMG Guidelines, 2015. Collection method: clinical testing. Allele origin: germline.

Ambry Genetics
Classification: Uncertain significance for Inborn genetic diseases. Last evaluated: 2021-07-20. Review status: criteria provided, single submitter. Criteria: Ambry Variant Classification Scheme 2023. Collection method: clinical testing. Allele origin: germline.

NM_002860.4(ALDH18A1):c.917G>T (p.Gly306Val)

Gene: ALDH18A1 (aldehyde dehydrogenase 18 family member A1; minus strand). Cytogenetic location: 10q24.1.
Variant type: single nucleotide variant.
Coding change: c.917G>T on transcript NM_002860.4 (MANE Select); coding-DNA position 917, G replaced by T.
Protein change: p.Gly306Val; replaces glycine 306 with valine.
Molecular consequence: missense variant.
Genome position (GRCh38, 1-based): chr10:95,628,384, C>A on the plus strand (G>T on the coding strand, the complement: ALDH18A1 is on the minus strand). VCF-style: chr10-95628384-C-A. GRCh37 (hg19) VCF-style: chr10-97388141-C-A.
Other names: c.911G>T, p.Gly304Val (NM_001017423.2, NM_001323415.2); c.584G>T, p.Gly195Val (NM_001323412.2, NM_001323416.2); c.917G>T, p.Gly306Val (NM_001323413.2, NM_001323414.2); c.812G>T, p.Gly271Val (NM_001323417.2); c.578G>T, p.Gly193Val (NM_001323418.2); c.281G>T, p.Gly94Val (NM_001323419.2); short protein forms G304V, G306V, G195V, G94V, G193V, G271V.
Identifiers: ClinVar variation 2027746 (VCV002027746.7), dbSNP rs1445597276, ClinGen allele CA377703907.